The following is an entry in ClinVar:

ClinVar aggregate classification (germline): Uncertain significance (1 of 4 stars; one submission).

Allele frequency attached by ClinVar (database versions not stated): gnomAD exomes 0.00001 and 0.00002; ExAC 0.00002; gnomAD 0.00003; TOPMed 0.00003; ESP Exome Variant Server 0.00008.

Submission:

Labcorp Genetics (formerly Invitae), Labcorp
Classification: Uncertain significance. Last evaluated: 2024-01-08. Review status: criteria provided, single submitter. Criteria: Invitae Variant Classification Sherloc (09022015). Collection method: clinical testing. Allele origin: germline.
Comment: This sequence change creates a premature translational stop signal (p.Gln337Hisfs*7) in the ANKZF1 gene. It is expected to result in an absent or disrupted protein product. However, the current clinical and genetic evidence is not sufficient to establish whether loss-of-function variants in ANKZF1 cause disease. This variant is present in population databases (rs759530205, gnomAD 0.004%). This variant has not been reported in the literature in individuals affected with ANKZF1-related conditions. ClinVar contains an entry for this variant (Variation ID: 1391957). In summary, the available evidence is currently insufficient to determine the role of this variant in disease. Therefore, it has been classified as a Variant of Uncertain Significance.

NM_018089.3(ANKZF1):c.1007_1010dup (p.Gln337fs)

Gene: ANKZF1 (ankyrin repeat and zinc finger peptidyl tRNA hydrolase 1; plus strand). Cytogenetic location: 2q35.
Variant type: Duplication.
Coding change: c.1007_1010dup on transcript NM_018089.3 (MANE Select); coding-DNA positions 1007 to 1010, 4 bases duplicated (TACA; older notation c.1007_1010dupTACA).
Protein change: p.Gln337fs; shifts the reading frame from glutamine 337.
Molecular consequence: frameshift variant.
Genome position (GRCh38, 1-based): chr2:219,233,902-219,233,905, TACA duplicated. VCF-style (leftmost placement, unchanged base first): chr2-219233901-C-CTACA. GRCh37 (hg19) VCF-style: chr2-220098623-C-CTACA.
Other names: c.1007_1010dup, p.Gln337fs (NM_001042410.2); c.377_380dup, p.Gln127fs (NM_001282792.2); short protein forms Q127fs, Q337fs.
Identifiers: ClinVar variation 1391957 (VCV001391957.6), dbSNP rs759530205, ClinGen allele CA2120924.